The following is an entry in ClinVar:

NM_015072.5(TTLL5):c.3289C>A (p.Gln1097Lys)

Gene: TTLL5 (tubulin tyrosine ligase like 5; plus strand). Cytogenetic location: 14q24.3.
Variant type: single nucleotide variant.
Coding change: c.3289C>A on transcript NM_015072.5 (MANE Select); coding-DNA position 3289, C replaced by A.
Protein change: p.Gln1097Lys; replaces glutamine 1097 with lysine.
Molecular consequence: missense variant.
Genome position (GRCh38, 1-based): chr14:75,820,124, C>A. VCF-style: chr14-75820124-C-A. GRCh37 (hg19) VCF-style: chr14-76286467-C-A.
Other names: c.3289C>A (NM_015072.4); short protein forms Q1097K.
Identifiers: ClinVar variation 1494372 (VCV001494372.7), dbSNP rs779528644, ClinGen allele CA7279970.

ClinVar aggregate classification (germline): Uncertain significance. Review status: criteria provided, multiple submitters, no conflicts (2 of 4 stars). 2 submissions from 2 submitters: Uncertain significance (2). Last evaluated 2024-11-11.

Conditions:
Inborn genetic diseases. Identifiers: MedGen C0950123, MeSH D030342.

Allele frequency attached by ClinVar (database versions not stated): gnomAD exomes below 0.00001 and 0.00001; ExAC 0.00001.
gnomAD v4.1: 2 of 1,601,188 alleles (0.00012%); highest among the groups gnomAD compares: Admixed American, 0.0034%; no homozygotes.

Submissions (2):

Labcorp Genetics (formerly Invitae), Labcorp
Classification: Uncertain significance. Last evaluated: 2024-11-11. Review status: criteria provided, single submitter. Criteria: Invitae Variant Classification Sherloc (09022015). Collection method: clinical testing. Allele origin: germline.
Comment: This sequence change replaces glutamine, which is neutral and polar, with lysine, which is basic and polar, at codon 1097 of the TTLL5 protein (p.Gln1097Lys). This variant is present in population databases (rs779528644, gnomAD 0.007%). This variant has not been reported in the literature in individuals affected with TTLL5-related conditions. ClinVar contains an entry for this variant (Variation ID: 1494372). Invitae Evidence Modeling of protein sequence and biophysical properties (such as structural, functional, and spatial information, amino acid conservation, physicochemical variation, residue mobility, and thermodynamic stability) indicates that this missense variant is not expected to disrupt TTLL5 protein function with a negative predictive value of 80%. In summary, the available evidence is currently insufficient to determine the role of this variant in disease. Therefore, it has been classified as a Variant of Uncertain Significance.

Ambry Genetics
Classification: Uncertain significance for Inborn genetic diseases. Last evaluated: 2023-12-19. Review status: criteria provided, single submitter. Criteria: Ambry Variant Classification Scheme 2023. Collection method: clinical testing. Allele origin: germline.